The following is an entry in ClinVar:

NM_001134407.3(GRIN2A):c.4319C>T (p.Ser1440Phe)

Gene: GRIN2A (glutamate ionotropic receptor NMDA type subunit 2A; minus strand). Cytogenetic location: 16p13.2.
Variant type: single nucleotide variant.
Coding change: c.4319C>T on transcript NM_001134407.3 (MANE Select); coding-DNA position 4319, C replaced by T.
Protein change: p.Ser1440Phe; replaces serine 1440 with phenylalanine.
Molecular consequence: missense variant. On other transcripts: 3 prime UTR variant (1).
Genome position (GRCh38, 1-based): chr16:9,763,225, G>A on the plus strand (C>T on the coding strand, the complement: GRIN2A is on the minus strand). VCF-style: chr16-9763225-G-A. GRCh37 (hg19) VCF-style: chr16-9857082-G-A.
Other names: c.4319C>T, p.Ser1440Phe (NM_000833.5); c.*130C>T (NM_001134408.2); c.4319C>T (NM_000833.3); short protein forms S1440F.
Identifiers: ClinVar variation 1679662 (VCV001679662.3), dbSNP rs752489703, ClinGen allele CA394705192.
Genomic context (GRCh38, chr16:9,763,225, plus strand): 5'-ATACTAGGCATTTTCTTGTACACGCGTCTATTGCTGCAGGAATTTAAAACCCTGGGGGTA[G>A]AGTACATATTATTCTTATTTGCAGCATAAGGCATAACATGCTCCGAAATATACACATCAT-3'
Protein context (NP_001127879.1, residues 1430-1450): PYAANKNNMY[Ser1440Phe]TPRVLNSCSN

ClinVar aggregate classification (germline): Uncertain significance. Review status: criteria provided, multiple submitters, no conflicts (2 of 4 stars). 3 submissions from 3 submitters: Uncertain significance (3). Last evaluated 2024-07-08.

Conditions:
Landau-Kleffner syndrome (FESD). Also called: EPILEPSY, FOCAL, WITH SPEECH DISORDER AND WITH OR WITHOUT MENTAL RETARDATION; APHASIA, ACQUIRED, WITH EPILEPSY. Identifiers: Orphanet 1945, Orphanet 725, Orphanet 98818, MedGen C0282512, MONDO:0009509, OMIM 245570.
Inborn genetic diseases. Identifiers: MedGen C0950123, MeSH D030342.

Submissions (3):

GeneDx
Classification: Uncertain significance. Last evaluated: 2024-07-08. Review status: criteria provided, single submitter. Criteria: GeneDx Variant Classification Process June 2021. Collection method: clinical testing. Allele origin: germline. Affected: yes.
Comment: Not observed at significant frequency in large population cohorts (gnomAD); In silico analysis indicates that this missense variant does not alter protein structure/function; Has not been previously published as pathogenic or benign to our knowledge

Ambry Genetics
Classification: Uncertain significance for Inborn genetic diseases. Last evaluated: 2023-12-19. Review status: criteria provided, single submitter. Criteria: Ambry Variant Classification Scheme 2023. Collection method: clinical testing. Allele origin: germline.

New York Genome Center
Classification: Uncertain significance for Landau-Kleffner syndrome. Last evaluated: 2021-09-17. Review status: criteria provided, single submitter. Criteria: NYGC Assertion Criteria 2020. Collection method: clinical testing. Allele origin: inherited. Observed: 1 heterozygote. Study: CSER-NYCKidSeq.
Comment: The inherited c.4319C>T (p.Ser1440Phe) variant identified in the GRIN2A gene substitutes a moderately conserved Serine forPhenylalanine at amino acid 1440/1465 (exon 13/13). This variant is absent from gnomAD(v3.1.1) suggesting it is not a common benign variant in the populationsrepresented in that database. In silico algorithms do not agree on the effect of this variant, as it is predicted both Damaging (SIFT; score:0.045) and Benign (REVEL;score: 0.2099) to the function of the canonical transcript. While this variant is absent from ClinVar, a different amino acid change at the same amino acid (c.4318T>C,p.Ser1440Pro; VarID:998570) is reported there as a Variant of Uncertian Significance. To our current knowledge, this variant has not been reported in affected individuals in the literature. The p.Ser1440 residue is in the C-terminal cytoplasmic domain of GRIN2A (UniProtKB: Q12879). Given the lack of compelling evidence forits pathogenicity, the inherited c.4319C>T (p.Ser1440Phe) variant identified in the GRIN2A gene is reported as a Variant of UncertainSignificance.